The following is an entry in ClinVar:

ClinVar aggregate classification (germline): Likely pathogenic (1 of 4 stars; one submission).

Conditions:
Hereditary factor IX deficiency disease (HEMB). Also called: F9 DEFICIENCY; FACTOR IX DEFICIENCY; PLASMA THROMBOPLASTIN COMPONENT DEFICIENCY; Hemophilia B; Christmas Disease. Identifiers: Orphanet 98879, MedGen C0008533, MeSH D002836, MONDO:0010604, OMIM 306900.

Submission:

Natera, Inc.
Classification: Likely pathogenic for Hemophilia B. Last evaluated: 2024-06-10. Review status: criteria provided, single submitter. Criteria: Natera Variant Classification Schema (03/2026). Collection method: clinical testing. Allele origin: germline.
Comment: The c.724G>A variant in F9 is a missense variant predicted to cause substitution of valine to isoleucine at amino acid 242. This variant is rare in the general population with a frequency below the threshold expected for the associated phenotype(s). This variant has been observed in affected individual(s) with monoallelic occurrence (heterozygous/hemizygous) (PMID: 22544209, 30648777). Computational prediction algorithms indicate this variant is likely to affect gene or protein function. Given the available evidence, this variant is classified as Likely Pathogenic.

Literature cited by the submitters: PubMed 22544209; PubMed 30648777.

NM_000133.4(F9):c.724G>A (p.Val242Ile)

Gene: F9 (coagulation factor IX; plus strand). Cytogenetic location: Xq27.1.
Variant type: single nucleotide variant.
Coding change: c.724G>A on transcript NM_000133.4 (MANE Select); coding-DNA position 724, G replaced by A.
Protein change: p.Val242Ile; replaces valine 242 with isoleucine.
Molecular consequence: missense variant.
Genome position (GRCh38, 1-based): chrX:139,560,741, G>A. VCF-style: chrX-139560741-G-A. GRCh37 (hg19) VCF-style: chrX-138642900-G-A.
Other names: c.610G>A, p.Val204Ile (NM_001313913.2); short protein forms V204I, V242I.
Identifiers: ClinVar variation 4817509 (VCV004817509.1).